The following is an entry in ClinVar:

ClinVar aggregate classification (germline): Pathogenic (1 of 4 stars; one submission).

Submission:

Labcorp Genetics (formerly Invitae), Labcorp
Classification: Pathogenic. Last evaluated: 2023-02-04. Review status: criteria provided, single submitter. Criteria: Invitae Variant Classification Sherloc (09022015). Collection method: clinical testing. Allele origin: germline.
Comment: This variant is not present in population databases (gnomAD no frequency). For these reasons, this variant has been classified as Pathogenic. Algorithms developed to predict the effect of sequence changes on RNA splicing suggest that this variant may disrupt the consensus splice site. This variant has not been reported in the literature in individuals affected with POLE-related conditions. This sequence change creates a premature translational stop signal (p.Gln2061*) in the POLE gene. It is expected to result in an absent or disrupted protein product. Loss-of-function variants in POLE are known to be pathogenic (PMID: 23230001, 25948378, 30503519).

Literature cited by the submitters: PubMed 23230001; PubMed 25948378; PubMed 30503519.

NM_006231.4(POLE):c.6181C>T (p.Gln2061Ter)

Gene: POLE (DNA polymerase epsilon, catalytic subunit; minus strand). Cytogenetic location: 12q24.33.
Variant type: single nucleotide variant.
Coding change: c.6181C>T on transcript NM_006231.4 (MANE Select); coding-DNA position 6181, C replaced by T.
Protein change: p.Gln2061Ter; replaces glutamine 2061 with a stop codon.
Molecular consequence: nonsense.
Genome position (GRCh38, 1-based): chr12:132,632,464, G>A on the plus strand (C>T on the coding strand, the complement: POLE is on the minus strand). VCF-style: chr12-132632464-G-A. GRCh37 (hg19) VCF-style: chr12-133209050-G-A.
Other names: short protein forms Q2061*.
Identifiers: ClinVar variation 2834383 (VCV002834383.3), dbSNP rs773908359, ClinGen allele CA387369865.